The following is an entry in ClinVar:

ClinVar aggregate classification (germline): Likely benign (1 of 4 stars; one submission).

gnomAD v4.1: 10 of 1,614,026 alleles (0.00062%); highest among the groups gnomAD compares: Admixed American, 0.01%; no homozygotes.

Submission:

CeGaT Center for Human Genetics Tuebingen
Classification: Likely benign. Last evaluated: 2026-03-01. Review status: criteria provided, single submitter. Criteria: CeGaT Center For Human Genetics Tuebingen Variant Classification Criteria Version 2. Collection method: clinical testing. Allele origin: germline. Affected: yes. Observed: 1 variant allele.
Comment: ZNF462: BP4

NM_021224.6(ZNF462):c.1344C>T (p.Thr448=)

Gene: ZNF462 (zinc finger protein 462; plus strand). Cytogenetic location: 9q31.2.
Variant type: single nucleotide variant.
Coding change: c.1344C>T on transcript NM_021224.6 (MANE Select); coding-DNA position 1344, C replaced by T.
Protein change: p.Thr448=; no amino-acid change (threonine 448 retained).
Molecular consequence: synonymous variant.
Genome position (GRCh38, 1-based): chr9:106,925,256, C>T. VCF-style: chr9-106925256-C-T. GRCh37 (hg19) VCF-style: chr9-109687537-C-T.
Other names: c.1344C>T, p.Thr448= (NM_001347997.2).
Identifiers: ClinVar variation 4821306 (VCV004821306.4).